The following is an entry in ClinVar:

NM_000218.3(KCNQ1):c.1393+32185G>A

Genes: KCNQ1 (potassium voltage-gated channel subfamily Q member 1; plus strand), KCNQ1OT1 (KCNQ1 opposite strand/antisense transcript 1; minus strand). Cytogenetic location: 11p15.5.
Variant type: single nucleotide variant.
Coding change: c.1393+32185G>A on transcript NM_000218.3 (MANE Select); 32185 bases into the intron after coding-DNA position 1393, G replaced by A.
Molecular consequence: intron variant.
Genome position (GRCh38, 1-based): chr11:2,621,039, G>A. VCF-style: chr11-2621039-G-A. GRCh37 (hg19) VCF-style: chr11-2642269-G-A.
Other names: c.1123+32185G>A (NM_001406837.1); c.1297+32185G>A (NM_001406836.1); c.853+32185G>A (NM_001406838.1); c.1012+32185G>A (NM_181798.2).
Identifiers: ClinVar variation 1879168 (VCV001879168.29), dbSNP rs556842107, ClinGen allele CA216362496.

ClinVar aggregate classification (germline): Benign (1 of 4 stars; one submission).

Allele frequency attached by ClinVar (database versions not stated): gnomAD exomes 0.00027; gnomAD 0.00205; TOPMed 0.00243; 1000 Genomes Project 0.00319; 1000 Genomes Project 30x 0.00375.
gnomAD v4.1: 387 of 396,018 alleles (0.098%); highest among the groups gnomAD compares: African/African-American, 0.71%; 1 homozygote.

Submission:

CeGaT Center for Human Genetics Tuebingen
Classification: Benign. Last evaluated: 2024-05-01. Review status: criteria provided, single submitter. Criteria: CeGaT Center For Human Genetics Tuebingen Variant Classification Criteria Version 2. Collection method: clinical testing. Allele origin: germline. Affected: yes. Observed: 2 variant alleles.
Comment: KCNQ1OT1: BS1, BS2